The following is an entry in ClinVar:

ClinVar aggregate classification (germline): Likely benign (1 of 4 stars; one submission).

Allele frequency attached by ClinVar (database versions not stated): gnomAD 0.00001; TOPMed 0.00001; gnomAD exomes 0.00003; ExAC 0.00009.

Submission:

CeGaT Center for Human Genetics Tuebingen
Classification: Likely benign. Last evaluated: 2023-02-01. Review status: criteria provided, single submitter. Criteria: CeGaT Center For Human Genetics Tuebingen Variant Classification Criteria Version 2. Collection method: clinical testing. Allele origin: germline. Affected: yes. Observed: 1 variant allele.
Comment: BTAF1: BP4, BS2

NM_003972.3(BTAF1):c.2841G>A (p.Gln947=)

Gene: BTAF1 (B-TFIID TATA-box binding protein associated factor 1; plus strand). Cytogenetic location: 10q23.32.
Variant type: single nucleotide variant.
Coding change: c.2841G>A on transcript NM_003972.3 (MANE Select); coding-DNA position 2841, G replaced by A.
Protein change: p.Gln947=; no amino-acid change (glutamine 947 retained).
Molecular consequence: synonymous variant. On other transcripts: non-coding transcript variant (14).
Genome position (GRCh38, 1-based): chr10:91,989,567, G>A. VCF-style: chr10-91989567-G-A. GRCh37 (hg19) VCF-style: chr10-93749324-G-A.
Identifiers: ClinVar variation 2640674 (VCV002640674.24), dbSNP rs767138327, ClinGen allele CA5601725.
Genomic context (GRCh38, chr10:91,989,567, plus strand): 5'-TTGTGTGGACCCATATCTAACTCCTTGTGTCACATGTCCAGTACCAACACAAAGTGGCCA[G>A]GAAAATTCTAAAGGTATATACCTAAACTTTTATTTGGGGTAGAGAAATAACCTTTTAAAT-3'
Protein context (NP_003963.1, residues 937-957): VTCPVPTQSG[Gln947=]ENSKGSTSEK